The following is an entry in ClinVar:

NM_133259.4(LRPPRC):c.2555_2559del (p.Tyr852fs)

Gene: LRPPRC (leucine rich pentatricopeptide repeat containing; minus strand). Cytogenetic location: 2p21.
Variant type: Deletion.
Coding change: c.2555_2559del on transcript NM_133259.4 (MANE Select); coding-DNA positions 2555 to 2559, 5 bases deleted (ATAAA; older notation c.2555_2559delATAAA).
Protein change: p.Tyr852fs; shifts the reading frame from tyrosine 852.
Molecular consequence: frameshift variant.
Genome position (GRCh38, 1-based): chr2:43,934,824-43,934,828, TTTAT deleted on the plus strand (ATAAA on the coding strand, the reverse complement: LRPPRC is on the minus strand). VCF-style (leftmost placement, unchanged base first): chr2-43934823-CTTTAT-C. GRCh37 (hg19) VCF-style: chr2-44161962-CTTTAT-C.
Other names: short protein forms Y852fs.
Identifiers: ClinVar variation 2692964 (VCV002692964.3), dbSNP rs2466525725, ClinGen allele CA2697548008.

ClinVar aggregate classification (germline): Pathogenic (1 of 4 stars; one submission).

Submission:

Labcorp Genetics (formerly Invitae), Labcorp
Classification: Pathogenic. Last evaluated: 2023-11-03. Review status: criteria provided, single submitter. Criteria: Invitae Variant Classification Sherloc (09022015). Collection method: clinical testing. Allele origin: germline.
Comment: This sequence change creates a premature translational stop signal (p.Tyr852Cysfs*7) in the LRPPRC gene. It is expected to result in an absent or disrupted protein product. Loss-of-function variants in LRPPRC are known to be pathogenic (PMID: 26510951). This variant is not present in population databases (gnomAD no frequency). This variant has not been reported in the literature in individuals affected with LRPPRC-related conditions. For these reasons, this variant has been classified as Pathogenic.

Literature cited by the submitters: PubMed 26510951.